The following is an entry in ClinVar:

NC_012920.1(MT-CO3):m.9751T>G

Gene: MT-CO3 (mitochondrially encoded cytochrome c oxidase III; plus strand).
Variant type: single nucleotide variant.
Genome position: chrM-9751-T-G.
Identifiers: ClinVar variation 693216 (VCV000693216.1), dbSNP rs1603222471, ClinGen allele CA414803630.

ClinVar aggregate classification (germline): Uncertain significance (1 of 4 stars; one submission).

Conditions:
Leigh syndrome (NULS). Also called: Leigh's necrotizing encephalopathy; Leigh's disease; Leigh Syndrome (mtDNA deletion); Leigh Disease; Subacute necrotizing encephalopathy; Necrotizing encephalopathy infantile subacute of Leigh. Identifiers: Orphanet 506, MedGen C2931891, MONDO:0009723, OMIM 256000.

Submission:

Wong Mito Lab, Molecular and Human Genetics, Baylor College of Medicine
Classification: Uncertain significance for Leigh syndrome. Last evaluated: 2019-10-17. Review status: criteria provided, single submitter. Criteria: Modified ACMG Guidelines (Unpublished). Collection method: clinical testing. Allele origin: germline.
Comment: The NC_012920.1:m.9751T>G (YP_003024032.1:p.Phe182Cys) variant in MTCO3 gene is interpretated to be a Uncertain Significance variant based on the modified ACMG guidelines (unpublished). This variant meets the following evidence codes: PP7, BP6